The following is an entry in ClinVar:

NM_000277.3(PAH):c.957_958insTT (p.Lys320fs)

Gene: PAH (phenylalanine hydroxylase; minus strand). Cytogenetic location: 12q23.2.
Variant type: Insertion.
Coding change: c.957_958insTT on transcript NM_000277.3 (MANE Select); coding-DNA positions 957 to 958, TT inserted.
Protein change: p.Lys320fs; shifts the reading frame from lysine 320.
Molecular consequence: frameshift variant.
Genome position: GRCh38 VCF-style: chr12-102846906-T-TAA. GRCh37 (hg19) VCF-style: chr12-103240684-T-TAA.
Other names: c.957_958insTT, p.Lys320fs (NM_001354304.2); short protein forms K320fs.
Identifiers: ClinVar variation 2768314 (VCV002768314.3), dbSNP rs2499617336, ClinGen allele CA2575266826.

ClinVar aggregate classification (germline): Pathogenic (1 of 4 stars; one submission).

Conditions:
Phenylketonuria (PKU). Also called: Phenylketonurias; FOLLING DISEASE; OLIGOPHRENIA PHENYLPYRUVICA; Phenylketonuria (PKU). Identifiers: Orphanet 716, MedGen C0031485, MONDO:0009861, OMIM 261600. Disease mechanism: loss of function.

Submission:

Labcorp Genetics (formerly Invitae), Labcorp
Classification: Pathogenic for Phenylketonuria. Last evaluated: 2023-10-14. Review status: criteria provided, single submitter. Criteria: Invitae Variant Classification Sherloc (09022015). Collection method: clinical testing. Allele origin: germline.
Comment: This sequence change creates a premature translational stop signal (p.Lys320Leufs*22) in the PAH gene. It is expected to result in an absent or disrupted protein product. Loss-of-function variants in PAH are known to be pathogenic (PMID: 1301187, 9634518). This variant is not present in population databases (gnomAD no frequency). This variant has not been reported in the literature in individuals affected with PAH-related conditions. Algorithms developed to predict the effect of sequence changes on RNA splicing suggest that this variant may disrupt the consensus splice site. For these reasons, this variant has been classified as Pathogenic.

Literature cited by the submitters: PubMed 1301187; PubMed 9634518.